The following is an entry in ClinVar:

ClinVar aggregate classification (germline): Uncertain significance (1 of 4 stars; one submission).

Conditions:
Cutis laxa, autosomal recessive, type 1B (ARCL1B). Also called: CUTIS LAXA, AUTOSOMAL RECESSIVE, TYPE IB; EFEMP2-Related Cutis Laxa. Identifiers: Orphanet 90349, MedGen C3280798, MONDO:0013754, OMIM 614437. Disease mechanism: loss of function.

Submission:

Labcorp Genetics (formerly Invitae), Labcorp
Classification: Uncertain significance for Cutis laxa, autosomal recessive, type 1B. Last evaluated: 2017-12-09. Review status: criteria provided, single submitter. Criteria: Invitae Variant Classification Sherloc (09022015). Collection method: clinical testing. Allele origin: germline.
Comment: In summary, the available evidence is currently insufficient to determine the role of this variant in disease. Therefore, it has been classified as a Variant of Uncertain Significance. Algorithms developed to predict the effect of missense changes on protein structure and function (SIFT, PolyPhen-2, Align-GVGD) all suggest that this variant is likely to be disruptive, but these predictions have not been confirmed by published functional studies and their clinical significance is uncertain. This variant has not been reported in the literature in individuals with EFEMP2-related disease. This variant is not present in population databases (ExAC no frequency). This sequence change replaces glutamic acid with glutamine at codon 288 of the EFEMP2 protein (p.Glu288Gln). The glutamic acid residue is highly conserved and there is a small physicochemical difference between glutamic acid and glutamine.

NM_016938.5(EFEMP2):c.862G>C (p.Glu288Gln)

Gene: EFEMP2 (EGF-like fibulin extracellular matrix protein 2; minus strand). Cytogenetic location: 11q13.1.
Variant type: single nucleotide variant.
Coding change: c.862G>C on transcript NM_016938.5 (MANE Select); coding-DNA position 862, G replaced by C.
Protein change: p.Glu288Gln; replaces glutamic acid 288 with glutamine.
Molecular consequence: missense variant. On other transcripts: non-coding transcript variant (1).
Genome position (GRCh38, 1-based): chr11:65,868,407, C>G on the plus strand (G>C on the coding strand, the complement: EFEMP2 is on the minus strand). VCF-style: chr11-65868407-C-G. GRCh37 (hg19) VCF-style: chr11-65635878-C-G.
Other names: short protein forms E288Q.
Identifiers: ClinVar variation 540028 (VCV000540028.8), dbSNP rs752273286, ClinGen allele CA381353984.